The following is an entry in ClinVar:

ClinVar aggregate classification (germline): Uncertain significance. Review status: criteria provided, multiple submitters, no conflicts (2 of 4 stars). 2 submissions from 2 submitters: Uncertain significance (2). Last evaluated 2024-11-11.

Allele frequency attached by ClinVar (database versions not stated): TOPMed below 0.00001.
gnomAD v4.1: 2 of 1,614,210 alleles (0.00012%); highest among the groups gnomAD compares: Non-Finnish European, 0.000085%; no homozygotes.

Submissions (2):

Labcorp Genetics (formerly Invitae), Labcorp
Classification: Uncertain significance. Last evaluated: 2024-11-11. Review status: criteria provided, single submitter. Criteria: Invitae Variant Classification Sherloc (09022015). Collection method: clinical testing. Allele origin: germline.
Comment: This sequence change replaces asparagine, which is neutral and polar, with tyrosine, which is neutral and polar, at codon 312 of the CYP4V2 protein (p.Asn312Tyr). This variant is not present in population databases (gnomAD no frequency). This variant has not been reported in the literature in individuals affected with CYP4V2-related conditions. ClinVar contains an entry for this variant (Variation ID: 858113). Invitae Evidence Modeling of protein sequence and biophysical properties (such as structural, functional, and spatial information, amino acid conservation, physicochemical variation, residue mobility, and thermodynamic stability) indicates that this missense variant is expected to disrupt CYP4V2 protein function with a positive predictive value of 80%. In summary, the available evidence is currently insufficient to determine the role of this variant in disease. Therefore, it has been classified as a Variant of Uncertain Significance.

Blueprint Genetics
Classification: Uncertain significance. Last evaluated: 2022-10-27. Review status: criteria provided, single submitter. Criteria: ACMG Guidelines, 2015. Collection method: clinical testing. Allele origin: germline.

NM_207352.4(CYP4V2):c.934A>T (p.Asn312Tyr)

Gene: CYP4V2 (cytochrome P450 family 4 subfamily V member 2; plus strand). Cytogenetic location: 4q35.2.
Variant type: single nucleotide variant.
Coding change: c.934A>T on transcript NM_207352.4 (MANE Select); coding-DNA position 934, A replaced by T.
Protein change: p.Asn312Tyr; replaces asparagine 312 with tyrosine.
Molecular consequence: missense variant.
Genome position (GRCh38, 1-based): chr4:186,201,289, A>T. VCF-style: chr4-186201289-A-T. GRCh37 (hg19) VCF-style: chr4-187122443-A-T.
Other names: short protein forms N312Y.
Identifiers: ClinVar variation 858113 (VCV000858113.11), dbSNP rs1170838878, ClinGen allele CA358948491.
Genomic context (GRCh38, chr4:186,201,289, plus strand): 5'-TCCAAAAATAAACGCAGGGCCTTTCTTGACTTGCTTTTAAGTGTGACTGATGACGAAGGG[A>T]ACAGGCTAAGTCATGAAGATATTCGAGAAGAAGTTGACACCTTCATGTTTGAGGTATTGT-3'
Protein context (NP_997235.3, residues 302-322): LLLSVTDDEG[Asn312Tyr]RLSHEDIREE